The following is an entry in ClinVar:

ClinVar aggregate classification (germline): Uncertain significance (1 of 4 stars; one submission).

Allele frequency attached by ClinVar (database versions not stated): gnomAD exomes below 0.00001.
gnomAD v4.1: 2 of 1,614,158 alleles (0.00012%); highest among the groups gnomAD compares: Non-Finnish European, 0.00017%; no homozygotes.

Submission:

Labcorp Genetics (formerly Invitae), Labcorp
Classification: Uncertain significance. Last evaluated: 2021-06-01. Review status: criteria provided, single submitter. Criteria: Invitae Variant Classification Sherloc (09022015). Collection method: clinical testing. Allele origin: germline.
Comment: In summary, the available evidence is currently insufficient to determine the role of this variant in disease. Therefore, it has been classified as a Variant of Uncertain Significance. Advanced modeling of protein sequence and biophysical properties (such as structural, functional, and spatial information, amino acid conservation, physicochemical variation, residue mobility, and thermodynamic stability) performed at Invitae indicates that this missense variant is expected to disrupt LRP2 protein function. This variant has not been reported in the literature in individuals with LRP2-related conditions. This variant is not present in population databases (ExAC no frequency). This sequence change replaces serine with proline at codon 3361 of the LRP2 protein (p.Ser3361Pro). The serine residue is highly conserved and there is a moderate physicochemical difference between serine and proline.

NM_004525.3(LRP2):c.10081T>C (p.Ser3361Pro)

Gene: LRP2 (LDL receptor related protein 2; minus strand). Cytogenetic location: 2q31.1.
Variant type: single nucleotide variant.
Coding change: c.10081T>C on transcript NM_004525.3 (MANE Select); coding-DNA position 10081, T replaced by C.
Protein change: p.Ser3361Pro; replaces serine 3361 with proline.
Molecular consequence: missense variant.
Genome position (GRCh38, 1-based): chr2:169,181,536, A>G on the plus strand (T>C on the coding strand, the complement: LRP2 is on the minus strand). VCF-style: chr2-169181536-A-G. GRCh37 (hg19) VCF-style: chr2-170038046-A-G.
Other names: short protein forms S3361P.
Identifiers: ClinVar variation 1431027 (VCV001431027.8), dbSNP rs2105294534, ClinGen allele CA349151063.